The following is an entry in ClinVar:

NM_002522.4(NPTX1):c.-6G>T

Gene: NPTX1 (neuronal pentraxin 1; minus strand). Cytogenetic location: 17q25.3.
Variant type: single nucleotide variant.
Coding change: c.-6G>T on transcript NM_002522.4 (MANE Select); 6 bases upstream of the start codon, G replaced by T.
Molecular consequence: 5 prime UTR variant.
Genome position (GRCh38, 1-based): chr17:80,476,452, C>A on the plus strand (G>T on the coding strand, the complement: NPTX1 is on the minus strand). VCF-style: chr17-80476452-C-A. GRCh37 (hg19) VCF-style: chr17-78450252-C-A.
Identifiers: ClinVar variation 3250706 (VCV003250706.18), dbSNP rs542777076.

ClinVar aggregate classification (germline): Likely benign (1 of 4 stars; one submission).

Allele frequency attached by ClinVar (database versions not stated): 1000 Genomes Project 0.00040; 1000 Genomes Project 30x 0.00125; gnomAD 0.00250; TOPMed 0.00282; ExAC 0.00295.
gnomAD v4.1: 612 of 1,247,748 alleles (0.049%); highest among the groups gnomAD compares: African/African-American, 0.88%; 6 homozygotes.

Submission:

CeGaT Center for Human Genetics Tuebingen
Classification: Likely benign. Last evaluated: 2024-06-01. Review status: criteria provided, single submitter. Criteria: CeGaT Center For Human Genetics Tuebingen Variant Classification Criteria Version 2. Collection method: clinical testing. Allele origin: germline. Affected: yes. Observed: 1 variant allele.
Comment: NPTX1: BP4, BS2